The following is an entry in ClinVar:

ClinVar aggregate classification (germline): Uncertain significance. Review status: criteria provided, multiple submitters, no conflicts (2 of 4 stars). 15 submissions from 15 submitters: Uncertain significance (10). 5 of the submissions do not count toward it. Last evaluated 2026-10-01.

Conditions:
Colorectal cancer. Also called: Malignant Colorectal Neoplasm; Colorectal cancer, somatic. Identifiers: MedGen C0346629, MONDO:0005575, OMIM 114500.
Familial cancer of breast. Also called: hereditary breast carcinoma; Hereditary breast cancer; BREAST CANCER, FAMILIAL. Identifiers: Orphanet 227535, MedGen C0346153, MONDO:0016419, OMIM 114480. Disease mechanism: loss of function.
CHEK2-related disorder.
Predisposition to cancer.
Hereditary nonpolyposis colon cancer (HNPCC). Also called: Hereditary Nonpolyposis Colorectal Cancer Syndrome; Hereditary nonpolyposis colorectal cancer; Familial nonpolyposis colon cancer. Identifiers: Orphanet 443909, MedGen C1333990, MONDO:0018630. Disease mechanism: loss of function.
Hereditary cancer-predisposing syndrome. Also called: Hereditary neoplastic syndrome; Tumor predisposition; Neoplastic Syndromes, Hereditary; Hereditary Cancer Syndrome. Identifiers: Orphanet 140162, MedGen C0027672, MeSH D009386, MONDO:0015356.

Allele frequency attached by ClinVar (database versions not stated): TOPMed below 0.00001; gnomAD 0.00001.
gnomAD v4.1: 29 of 1,575,856 alleles (0.0018%); highest among the groups gnomAD compares: Non-Finnish European, 0.0024%; no homozygotes.

Submissions 1 to 10 of 15:

St. Jude Molecular Pathology, St. Jude Children's Research Hospital
Classification: Uncertain significance for Predisposition to cancer. Last evaluated: 2026-10-01. Review status: criteria provided, single submitter. Criteria: St. Jude Assertion Criteria 2020. Collection method: clinical testing. Allele origin: germline.
Comment: The CHEK2 c.1265G>A p.(Ser422Asn) missense change has a maximum subpopulation frequency of 0.003% in gnomAD v2.1.1. The in silico tool REVEL predicts a benign effect on protein function. This variant was reported to be intermediate in an autophosphorylation assay and impaired in a kinase assay (PMID: 37449874). This variant has been reported in breast cancer cases and controls (PMID: 37449874). In summary, the evidence currently available is insufficient to determine the clinical significance of this variant. It has therefore been classified as of uncertain significance.

Center for Genomic Medicine, Rigshospitalet, Copenhagen University Hospital
Classification: Uncertain significance. Last evaluated: 2025-12-29. Review status: criteria provided, single submitter. Criteria: ACMG Guidelines, 2015. Collection method: clinical testing. Allele origin: germline.

Labcorp Genetics (formerly Invitae), Labcorp
Classification: Uncertain significance for Familial cancer of breast. Last evaluated: 2025-12-15. Review status: criteria provided, single submitter. Criteria: Invitae Variant Classification Sherloc (09022015). Collection method: clinical testing. Allele origin: germline.
Comment: This sequence change replaces serine, which is neutral and polar, with asparagine, which is neutral and polar, at codon 422 of the CHEK2 protein (p.Ser422Asn). RNA analysis indicates that this missense change induces altered splicing and likely results in the loss of 12 and gain of 1 amino acid residue(s), but is expected to preserve the integrity of the reading-frame. This variant is present in population databases (rs549755590, gnomAD 0.003%). This missense change has been observed in individual(s) with breast cancer, renal cancer (PMID: 30303537). This variant is also known as p.Ser465Asn. ClinVar contains an entry for this variant (Variation ID: 182436). An algorithm developed to predict the effect of missense changes on protein structure and function (PolyPhen-2) suggests that this variant is likely to be disruptive. Experimental studies have shown that this missense change affects CHEK2 function (PMID: 37449874). Studies have shown that this missense change results in the activation of a cryptic splice site in exon 12 (internal data). In summary, the available evidence is currently insufficient to determine the role of this variant in disease. Therefore, it has been classified as a Variant of Uncertain Significance.

Ambry Genetics
Classification: Uncertain significance for Hereditary cancer-predisposing syndrome. Last evaluated: 2025-08-13. Review status: criteria provided, single submitter. Criteria: Ambry Variant Classification Scheme 2023. Collection method: clinical testing. Allele origin: germline.
Comment: The p.S422N variant (also known as c.1265G>A), located in coding exon 11 of the CHEK2 gene, results from a G to A substitution at nucleotide position 1265. The serine at codon 422 is replaced by asparagine, an amino acid with highly similar properties. This alteration has been reported in at least one breast cancer patient in a study of 13087 breast cancer cases and 5488 control individuals in the UK (Decker B et al. J Med Genet. 2017 11;54:732-741). This alteration was also identified in 1/1207 cases of French women diagnosed with breast cancer who had a sister with breast cancer and were BRCA1 and BRCA2 negative and 0/1199 general population controls (Girard E et al. Int J Cancer 2019 04;144:1962-1974). Another study reported the alteration in 4/60,466 breast cancer cases and in 1/53,461 controls (Dorling et al. N Engl J Med. 2021 02;384:428-439). In a study assessing CHEK2-complementation through quantification of KAP1 phosphorylation and CHK2 autophosphorylation in human RPE1-CHEK2-knockout cells, this missense substitution was reported as non-functional based on KAP1 phosphorylation and as having an intermediate functional impact based on CHK2 autophosphorylation (Stolarova L et al. Clin Cancer Res. 2023 Aug;29(16):3037-3050). This nucleotide position is highly conserved in available vertebrate species. In silico splice site analysis for this alteration is inconclusive. However, RNA studies have demonstrated that this alteration results in an incomplete splice defect; the clinical impact of this abnormal splicing is unknown at this time (Ambry internal data). This amino acid position is well conserved in available vertebrate species. In addition, as a missense, this alteration is predicted to be tolerated by in silico analysis. Based on the available evidence, the clinical significance of this alteration remains unclear.

Color Diagnostics, LLC DBA Color Health
Classification: Uncertain significance for Hereditary cancer-predisposing syndrome. Last evaluated: 2024-11-26. Review status: criteria provided, single submitter. Criteria: ACMG Guidelines, 2015. Collection method: clinical testing. Allele origin: germline.
Comment: This missense variant replaces serine with asparagine at codon 422 of the CHEK2 protein. Computational prediction suggests that this variant may not impact protein structure and function. Experimental functional studies reported this variant as impaired in kinase assays but intermediate in autophosphorylation assays (PMID: 37449874). This variant has been reported in individuals affected with breast cancer in the literature, but has also been observed in control individuals (PMID: 28779002, 30287823, 30303537, 33471991, 35585550). This variant has been identified in 2/250340 chromosomes in the general population by the Genome Aggregation Database (gnomAD). The available evidence is insufficient to determine the role of this variant in disease conclusively. Therefore, this variant is classified as a Variant of Uncertain Significance.

Department of Pathology and Laboratory Medicine, Sinai Health System
Classification: Uncertain significance for hereditary nonpolyposis colon cancer. Last evaluated: 2024-03-25. Review status: criteria provided, single submitter. Criteria: ACMG Guidelines, 2015. Collection method: clinical testing. Allele origin: germline. Affected: no.

Baylor Genetics
Classification: Uncertain significance for Familial cancer of breast. Last evaluated: 2023-09-06. Review status: criteria provided, single submitter. Criteria: ACMG Guidelines, 2015. Collection method: clinical testing. Allele origin: unknown.

Myriad Genetics, Inc.
Classification: Uncertain significance for Familial cancer of breast. Last evaluated: 2023-03-08. Review status: criteria provided, single submitter. Criteria: Myriad Autosomal Dominant, Autosomal Recessive and X-Linked Classification Criteria (2023). Collection method: clinical testing. Allele origin: unknown.
Comment: This variant is classified as a variant of uncertain significance as there is insufficient evidence to determine its impact on protein function and/or cancer risk.

GeneDx
Classification: Uncertain significance. Last evaluated: 2022-12-02. Review status: criteria provided, single submitter. Criteria: GeneDx Variant Classification Process June 2021. Collection method: clinical testing. Allele origin: germline. Affected: yes.
Comment: Not observed at significant frequency in large population cohorts (gnomAD); In silico analysis supports that this missense variant does not alter protein structure/function; In silico analysis is inconclusive as to whether the variant alters gene splicing. In the absence of RNA/functional studies, the actual effect of this sequence change is unknown.; Identified in patients with breast cancer but also in controls (Decker et al., 2017; Girard et al., 2019; Dorling et al., 2021); This variant is associated with the following publications: (PMID: 30303537, 28779002, 22419737, 19782031, 33471991)

Women's Health and Genetics/Laboratory Corporation of America, LabCorp
Classification: Uncertain significance. Last evaluated: 2016-09-30. Review status: criteria provided, single submitter. Criteria: LabCorp Variant Classification Summary - May 2015. Collection method: clinical testing. Allele origin: germline.
Comment: Variant summary: The CHEK2 c.1265G>A (p.Ser422Asn) variant located in the Protein kinase-like domain (via InterPro) causes a missense change involving a conserved nucleotide with 3/4 in silico tools (SNPs&GO not captured here due to low reliability) predict a "damaging" outcome, although these predictions have yet to be functionally assessed. The variant of interest was observed in the large, broad control population, ExAC, with an allele frequency of 1/115744 control chromosomes at a frequency of 0.0000086, which does not exceed the estimated maximal expected allele frequency of a pathogenic CHEK2 variant (0.0000284). In addition, a clinical diagnostic laboratory cites the variant as "uncertain significance." The variant of interest has not, to our knowledge, been reported in affected individuals via publications. Because of the absence of clinical information and the lack of functional studies, the variant is classified as a variant of uncertain significance (VUS) until additional information becomes available.

NM_007194.4(CHEK2):c.1265G>A (p.Ser422Asn)

Gene: CHEK2 (checkpoint kinase 2; minus strand). Cytogenetic location: 22q12.1.
Variant type: single nucleotide variant.
Coding change: c.1265G>A on transcript NM_007194.4 (MANE Select); coding-DNA position 1265, G replaced by A.
Protein change: p.Ser422Asn; replaces serine 422 with asparagine.
Molecular consequence: missense variant.
Genome position (GRCh38, 1-based): chr22:28,695,237, C>T on the plus strand (G>A on the coding strand, the complement: CHEK2 is on the minus strand). VCF-style: chr22-28695237-C-T. GRCh37 (hg19) VCF-style: chr22-29091225-C-T.
Other names: p.S422N:AGT>AAT; c.1394G>A, p.Ser465Asn (NM_001005735.3); c.602G>A, p.Ser201Asn (NM_001257387.3); c.1064G>A, p.Ser355Asn (NM_001349956.3); c.1178G>A, p.Ser393Asn (NM_145862.3); short protein forms S422N, S201N, S393N, S355N, S465N.
Identifiers: ClinVar variation 182436 (VCV000182436.39), dbSNP rs549755590, ClinGen allele CA299084.